The following is an entry in ClinVar:

NM_016038.4(SBDS):c.698C>A (p.Ser233Tyr)

Gene: SBDS (SBDS ribosome maturation factor; minus strand). Cytogenetic location: 7q11.21.
Variant type: single nucleotide variant.
Coding change: c.698C>A on transcript NM_016038.4 (MANE Select); coding-DNA position 698, C replaced by A.
Protein change: p.Ser233Tyr; replaces serine 233 with tyrosine.
Molecular consequence: missense variant.
Genome position (GRCh38, 1-based): chr7:66,988,426, G>T on the plus strand (C>A on the coding strand, the complement: SBDS is on the minus strand). VCF-style: chr7-66988426-G-T. GRCh37 (hg19) VCF-style: chr7-66453413-G-T.
Other names: short protein forms S233Y.
Identifiers: ClinVar variation 4630236 (VCV004630236.1).

ClinVar aggregate classification (germline): Uncertain significance (1 of 4 stars; one submission).

Conditions:
Inborn genetic diseases. Identifiers: MedGen C0950123, MeSH D030342.

Submission:

Ambry Genetics
Classification: Uncertain significance for Inborn genetic diseases. Last evaluated: 2025-11-09. Review status: criteria provided, single submitter. Criteria: Ambry Variant Classification Scheme 2023. Collection method: clinical testing. Allele origin: germline.
Comment: The p.S233Y variant (also known as c.698C>A), located in coding exon 5 of the SBDS gene, results from a C to A substitution at nucleotide position 698. The serine at codon 233 is replaced by tyrosine, an amino acid with dissimilar properties. This amino acid position is conserved. In addition, the in silico prediction for this alteration is inconclusive. Based on the available evidence, the clinical significance of this variant remains unclear.